The following is an entry in ClinVar:

NM_000719.7(CACNA1C):c.4625G>T (p.Arg1542Leu)

Genes: CACNA1C (calcium voltage-gated channel subunit alpha1 C; plus strand), CACNA1C-AS2 (CACNA1C antisense RNA 2; minus strand). Cytogenetic location: 12p13.33.
Variant type: single nucleotide variant.
Coding change: c.4625G>T on transcript NM_000719.7 (MANE Select); coding-DNA position 4625, G replaced by T.
Protein change: p.Arg1542Leu; replaces arginine 1542 with leucine.
Molecular consequence: missense variant. On other transcripts: non-coding transcript variant (1).
Genome position (GRCh38, 1-based): chr12:2,668,934, G>T. VCF-style: chr12-2668934-G-T. GRCh37 (hg19) VCF-style: chr12-2778100-G-T.
Other names: c.4769G>T, p.Arg1590Leu (NM_001129827.2, NM_199460.4); c.4691G>T, p.Arg1564Leu (NM_001129829.2); c.4625G>T, p.Arg1542Leu (NM_001129830.3, NM_001129833.2, NM_001129834.2 and 7 more transcripts); c.4709G>T, p.Arg1570Leu (NM_001129831.2); c.4685G>T, p.Arg1562Leu (NM_001129832.2); c.4676G>T, p.Arg1559Leu (NM_001129836.2); c.4592G>T, p.Arg1531Leu (NM_001129837.2, NM_001129838.2, NM_001129846.2 and 1 more transcripts); c.4586G>T, p.Arg1529Leu (NM_001129839.2); and 1 more; short protein forms R1542L, R1590L, R1531L, R1539L, R1570L, R1564L, R1529L, R1559L.
Identifiers: ClinVar variation 526959 (VCV000526959.9), dbSNP rs771053661, ClinGen allele CA383377024.
Genomic context (GRCh38, chr12:2,668,934, plus strand): 5'-CTGCGGTCCCCTAAGCACCGCCTGCCATCATCACCAGCTTTGCTTCTCTTCGCCTGCAGC[G>T]CCTGGTCTCCATGAACATGCCTCTGAACAGCGACGGGACAGTCATGTTCAATGCCACCCT-3'
Protein context (NP_000710.5, residues 1532-1552): KLCPHRVACK[Arg1542Leu]LVSMNMPLNS

ClinVar aggregate classification (germline): Uncertain significance (1 of 4 stars; one submission).

Conditions:
Long QT syndrome (LQTS). Identifiers: MedGen C0023976, MeSH D008133, MONDO:0002442. Disease mechanism: loss of function. Inheritance: Various modes of inheritance.

Submission:

Labcorp Genetics (formerly Invitae), Labcorp
Classification: Uncertain significance for Long QT syndrome. Last evaluated: 2017-11-16. Review status: criteria provided, single submitter. Criteria: Invitae Variant Classification Sherloc (09022015). Collection method: clinical testing. Allele origin: germline.
Comment: In summary, the available evidence is currently insufficient to determine the role of this variant in disease. Therefore, it has been classified as a Variant of Uncertain Significance. Algorithms developed to predict the effect of missense changes on protein structure and function (SIFT, PolyPhen-2, Align-GVGD) all suggest that this variant is likely to be disruptive, but these predictions have not been confirmed by published functional studies and their clinical significance is uncertain. This variant has not been reported in the literature in individuals with CACNA1C-related disease. This variant is not present in population databases (ExAC no frequency). This sequence change replaces arginine with leucine at codon 1542 of the CACNA1C protein (p.Arg1542Leu). The arginine residue is highly conserved and there is a moderate physicochemical difference between arginine and leucine.